The following is an entry in ClinVar:

NM_001378964.1(CDON):c.3203G>A (p.Gly1068Glu)

Gene: CDON (cell adhesion associated, oncogene regulated; minus strand). Cytogenetic location: 11q24.2.
Variant type: single nucleotide variant.
Coding change: c.3203G>A on transcript NM_001378964.1 (MANE Select); coding-DNA position 3203, G replaced by A.
Protein change: p.Gly1068Glu; replaces glycine 1068 with glutamic acid.
Molecular consequence: missense variant.
Genome position (GRCh38, 1-based): chr11:125,981,122, C>T on the plus strand (G>A on the coding strand, the complement: CDON is on the minus strand). VCF-style: chr11-125981122-C-T. GRCh37 (hg19) VCF-style: chr11-125851017-C-T.
Other names: c.3203G>A, p.Gly1068Glu (NM_001243597.3, NM_016952.6); short protein forms G1068E.
Identifiers: ClinVar variation 2636704 (VCV002636704.1), dbSNP rs1356718011, ClinGen allele CA383199459.
Genomic context (GRCh38, chr11:125,981,122, plus strand): 5'-TGAGGATGTTCAAAATCCACGTGTGTCCTGGTTAGAGAGTTGCTGTGCCCGGAGTAAAGC[C>T]CTCCATTTAGGCTCCCATTCACAATTCCATTGACTGCATTGGGGACCTTATGGTGAAGGT-3'
Protein context (NP_001365893.1, residues 1058-1078): NGIVNGSLNG[Gly1068Glu]LYSGHSNSLT

ClinVar aggregate classification (germline): Uncertain significance (1 of 4 stars; one submission).

Conditions:
CDON-related disorder. Also called: CDON-related condition.

Allele frequency attached by ClinVar (database versions not stated): gnomAD exomes below 0.00001; TOPMed 0.00002; gnomAD 0.00003.
gnomAD v4.1: 6 of 1,613,976 alleles (0.00037%); highest among the groups gnomAD compares: African/African-American, 0.0013%; no homozygotes.

Submission:

PreventionGenetics, part of Exact Sciences
Classification: Uncertain significance for CDON-related condition. Last evaluated: 2022-12-22. Review status: criteria provided, single submitter. Criteria: ACMG Guidelines, 2015. Collection method: clinical testing. Allele origin: germline.
Comment: The CDON c.3203G>A variant is predicted to result in the amino acid substitution p.Gly1068Glu. To our knowledge, this variant has not been reported in the literature. This variant is reported in 0.0065% of alleles in individuals of European (Non-Finnish) descent in gnomAD. At this time, the clinical significance of this variant is uncertain due to the absence of conclusive functional and genetic evidence.